The following is an entry in ClinVar:

ClinVar aggregate classification (germline): Uncertain significance (1 of 4 stars; one submission).

Conditions:
Neuroblastoma, susceptibility to, 3. Also called: ALK-Related Neuroblastic Tumor Susceptibility. Identifiers: Orphanet 635, MedGen C2751681, MONDO:0013083, OMIM 613014.

Submission:

Labcorp Genetics (formerly Invitae), Labcorp
Classification: Uncertain significance for Neuroblastoma, susceptibility to, 3. Last evaluated: 2024-08-06. Review status: criteria provided, single submitter. Criteria: Invitae Variant Classification Sherloc (09022015). Collection method: clinical testing. Allele origin: germline.
Comment: This sequence change replaces threonine, which is neutral and polar, with asparagine, which is neutral and polar, at codon 1447 of the ALK protein (p.Thr1447Asn). This variant is not present in population databases (gnomAD no frequency). This variant has not been reported in the literature in individuals affected with ALK-related conditions. An algorithm developed to predict the effect of missense changes on protein structure and function (PolyPhen-2) suggests that this variant is likely to be tolerated. In summary, the available evidence is currently insufficient to determine the role of this variant in disease. Therefore, it has been classified as a Variant of Uncertain Significance.

NM_004304.5(ALK):c.4340C>A (p.Thr1447Asn)

Gene: ALK (ALK receptor tyrosine kinase; minus strand). Cytogenetic location: 2p23.2.
Variant type: single nucleotide variant.
Coding change: c.4340C>A on transcript NM_004304.5 (MANE Select); coding-DNA position 4340, C replaced by A.
Protein change: p.Thr1447Asn; replaces threonine 1447 with asparagine.
Molecular consequence: missense variant.
Genome position (GRCh38, 1-based): chr2:29,193,747, G>T on the plus strand (C>A on the coding strand, the complement: ALK is on the minus strand). VCF-style: chr2-29193747-G-T. GRCh37 (hg19) VCF-style: chr2-29416613-G-T.
Other names: c.1136C>A, p.Thr379Asn (NM_001353765.2); short protein forms T379N, T1447N.
Identifiers: ClinVar variation 3660454 (VCV003660454.2).